The following is an entry in ClinVar:

ClinVar aggregate classification (germline): Pathogenic (1 of 4 stars; one submission).

Conditions:
Retinitis pigmentosa 73 (RP73). Identifiers: Orphanet 791, MedGen C4225287, MONDO:0014687, OMIM 616544.
Mucopolysaccharidosis, MPS-III-C (MPS3C). Also called: SANFILIPPO SYNDROME C; MPS III C; mucopolysaccharidosis type 3C; MPS IIIC (Sanfilippo Syndrome Type C); MUCOPOLYSACCHARIDOSIS, TYPE IIIC; Mucopolysaccharidosis type IIIC (Sanfilippo C). Identifiers: Orphanet 581, Orphanet 79271, MedGen C0086649, MONDO:0009657, OMIM 252930.

Submission:

Labcorp Genetics (formerly Invitae), Labcorp
Classification: Pathogenic for Retinitis pigmentosa 73; Mucopolysaccharidosis, MPS-III-C. Last evaluated: 2023-03-27. Review status: criteria provided, single submitter. Criteria: Invitae Variant Classification Sherloc (09022015). Collection method: clinical testing. Allele origin: unknown.
Comment: For these reasons, this variant has been classified as Pathogenic. This variant has not been reported in the literature in individuals affected with HGSNAT-related conditions. This variant is a gross deletion of the genomic region encompassing exon(s) 7-9 of the HGSNAT gene. This deletion is out-of-frame, and is expected to create a premature termination codon and result in an absent or disrupted protein product. Loss-of-function variants in HGSNAT are known to be pathogenic (PMID: 17033958, 19479962).

Literature cited by the submitters: PubMed 17033958; PubMed 19479962.

NC_000008.10:g.(?_43025708)_(43028906_?)del

Gene: HGSNAT (heparan-alpha-glucosaminide N-acetyltransferase; plus strand). Cytogenetic location: 8p11.21.
Variant type: Deletion.
Identifiers: ClinVar variation 3245540 (VCV003245540.1).